The following is an entry in ClinVar:

NM_000748.3(CHRNB2):c.211-3C>A

Gene: CHRNB2 (cholinergic receptor nicotinic beta 2 subunit; plus strand). Cytogenetic location: 1q21.3.
Variant type: single nucleotide variant.
Coding change: c.211-3C>A on transcript NM_000748.3 (MANE Select); 3 bases into the intron before coding-DNA position 211, C replaced by A.
Molecular consequence: intron variant.
Genome position (GRCh38, 1-based): chr1:154,569,789, C>A. VCF-style: chr1-154569789-C-A. GRCh37 (hg19) VCF-style: chr1-154542265-C-A.
Identifiers: ClinVar variation 2097736 (VCV002097736.4), dbSNP rs1459668451, ClinGen allele CA2580061101.

ClinVar aggregate classification (germline): Uncertain significance (1 of 4 stars; one submission).

Conditions:
Familial sleep-related hypermotor epilepsy. Also called: Autosomal Dominant Sleep-Related Hypermotor (Hyperkinetic) Epilepsy. Identifiers: Orphanet 98784, MedGen C3696898, MONDO:0000030.

gnomAD v4.1: 3 of 1,614,160 alleles (0.00019%); highest among the groups gnomAD compares: Non-Finnish European, 0.00025%; no homozygotes.

Submission:

Labcorp Genetics (formerly Invitae), Labcorp
Classification: Uncertain significance. Last evaluated: 2022-02-27. Review status: criteria provided, single submitter. Criteria: Invitae Variant Classification Sherloc (09022015). Collection method: clinical testing. Allele origin: germline.
Comment: This variant is not present in population databases (gnomAD no frequency). In summary, the available evidence is currently insufficient to determine the role of this variant in disease. Therefore, it has been classified as a Variant of Uncertain Significance. Variants that disrupt the consensus splice site are a relatively common cause of aberrant splicing (PMID: 17576681, 9536098). Algorithms developed to predict the effect of sequence changes on RNA splicing suggest that this variant may disrupt the consensus splice site. This variant has not been reported in the literature in individuals affected with CHRNB2-related conditions. This sequence change falls in intron 2 of the CHRNB2 gene. It does not directly change the encoded amino acid sequence of the CHRNB2 protein. It affects a nucleotide within the consensus splice site.

Literature cited by the submitters: PubMed 17576681; PubMed 9536098.